The following is an entry in ClinVar:

NM_001039213.4(CEACAM16):c.312C>T (p.Gly104=)

Genes: CEACAM16 (CEA cell adhesion molecule 16, tectorial membrane component; plus strand), CEACAM16-AS1 (CEACAM16, CEACAM19 and PVR antisense RNA 1; minus strand). Cytogenetic location: 19q13.32.
Variant type: single nucleotide variant.
Coding change: c.312C>T on transcript NM_001039213.4 (MANE Select); coding-DNA position 312, C replaced by T.
Protein change: p.Gly104=; no amino-acid change (glycine 104 retained).
Molecular consequence: synonymous variant.
Genome position (GRCh38, 1-based): chr19:44,703,623, C>T. VCF-style: chr19-44703623-C-T. GRCh37 (hg19) VCF-style: chr19-45206893-C-T.
Other names: c.312C>T (NM_001039213.3).
Identifiers: ClinVar variation 2959943 (VCV002959943.4), dbSNP rs1216516010, ClinGen allele CA507790883.

ClinVar aggregate classification (germline): Uncertain significance. Review status: criteria provided, multiple submitters, no conflicts (2 of 4 stars). 2 submissions from 2 submitters: Uncertain significance (2). Last evaluated 2024-03-19.

Allele frequency attached by ClinVar (database versions not stated): gnomAD 0.00001; TOPMed 0.00003.
gnomAD v4.1: 3 of 1,606,908 alleles (0.00019%); highest among the groups gnomAD compares: African/African-American, 0.004%; no homozygotes.

Submissions (2):

GeneDx
Classification: Uncertain significance. Last evaluated: 2024-03-19. Review status: criteria provided, single submitter. Criteria: GeneDx Variant Classification Process June 2021. Collection method: clinical testing. Allele origin: germline. Affected: yes.
Comment: Not observed at significant frequency in large population cohorts (gnomAD); In silico analysis supports a deleterious effect on splicing; Has not been previously published as pathogenic or benign to our knowledge

Labcorp Genetics (formerly Invitae), Labcorp
Classification: Uncertain significance. Last evaluated: 2023-11-04. Review status: criteria provided, single submitter. Criteria: Invitae Variant Classification Sherloc (09022015). Collection method: clinical testing. Allele origin: germline.
Comment: This sequence change affects codon 104 of the CEACAM16 mRNA. It is a 'silent' change, meaning that it does not change the encoded amino acid sequence of the CEACAM16 protein. This variant is not present in population databases (gnomAD no frequency). This variant has not been reported in the literature in individuals affected with CEACAM16-related conditions. Algorithms developed to predict the effect of sequence changes on RNA splicing suggest that this variant may create or strengthen a splice site. In summary, the available evidence is currently insufficient to determine the role of this variant in disease. Therefore, it has been classified as a Variant of Uncertain Significance.